The following is an entry in ClinVar:

NM_001010847.2(LRRC38):c.501C>T (p.Leu167=)

Gene: LRRC38 (leucine rich repeat containing 38; minus strand). Cytogenetic location: 1p36.21.
Variant type: single nucleotide variant.
Coding change: c.501C>T on transcript NM_001010847.2 (MANE Select); coding-DNA position 501, C replaced by T.
Protein change: p.Leu167=; no amino-acid change (leucine 167 retained).
Molecular consequence: synonymous variant.
Genome position (GRCh38, 1-based): chr1:13,513,093, G>A on the plus strand (C>T on the coding strand, the complement: LRRC38 is on the minus strand). VCF-style: chr1-13513093-G-A. GRCh37 (hg19) VCF-style: chr1-13839588-G-A.
Identifiers: ClinVar variation 4874907 (VCV004874907.2).
Genomic context (GRCh38, chr1:13,513,093, plus strand): 5'-GGGGTTCCCGTCCAGACGCAGGGAGCGCAGCGCGGGCAGCGCGGCCAGGGCGGCCACGCT[G>A]AGGCTGCGCAGGTTGTTGTCGTTGAGCTCCAGCACCTGCAGCGACTCCAGGGTCTCGAAG-3'
Protein context (NP_001010847.1, residues 157-177): LELNDNNLRS[Leu167=]SVAALAALPA

ClinVar aggregate classification (germline): Likely benign (1 of 4 stars; one submission).

Submission:

CeGaT Center for Human Genetics Tuebingen
Classification: Likely benign. Last evaluated: 2026-05-01. Review status: criteria provided, single submitter. Criteria: CeGaT Center For Human Genetics Tuebingen Variant Classification Criteria Version 2. Collection method: clinical testing. Allele origin: germline. Affected: yes. Observed: 1 variant allele.
Comment: LRRC38: PM2:Supporting, BP4, BP7